The following is an entry in ClinVar:

ClinVar aggregate classification (germline): Pathogenic (1 of 4 stars; one submission).

Conditions:
Neuronal ceroid lipofuscinosis 2. Also called: TPP1-Related Neuronal Ceroid-Lipofuscinosis; JANSKY-BIELSCHOWSKY DISEASE NEURONAL CEROID LIPOFUSCINOSIS, LATE INFANTILE. Identifiers: Orphanet 168491, Orphanet 228349, Orphanet 79264, MedGen C1876161, MONDO:0008769, OMIM 204500.

Submission:

Myriad Genetics, Inc.
Classification: Pathogenic for Neuronal ceroid lipofuscinosis 2. Last evaluated: 2023-08-09. Review status: criteria provided, single submitter. Criteria: Myriad Autosomal Dominant, Autosomal Recessive and X-Linked Classification Criteria (2023). Collection method: clinical testing. Allele origin: unknown.
Comment: NM_000391.3(TPP1):c.23_24insGA(G9Kfs*40) is expected to be pathogenic in the context of TPP1-related neuronal ceroid lipofuscinosis. This variant is predicted to lead to an abnormal or absent protein product due to the creation of a premature termination codon in TPP1, a gene where loss-of-function variants are known to be pathogenic. Please note: this variant was assessed in the context of healthy population screening.

NM_000391.4(TPP1):c.23_24insGA (p.Gly9fs)

Gene: TPP1 (tripeptidyl peptidase 1; minus strand). Cytogenetic location: 11p15.4.
Variant type: Insertion.
Coding change: c.23_24insGA on transcript NM_000391.4 (MANE Select); coding-DNA positions 23 to 24, GA inserted.
Protein change: p.Gly9fs; shifts the reading frame from glycine 9.
Molecular consequence: frameshift variant.
Genome position: GRCh38 VCF-style: chr11-6619261-T-TTC. GRCh37 (hg19) VCF-style: chr11-6640492-T-TTC.
Other names: short protein forms G9fs.
Identifiers: ClinVar variation 5011280 (VCV005011280.1).